The following is an entry in ClinVar:

ClinVar aggregate classification (germline): Uncertain significance (1 of 4 stars; one submission).

Conditions:
Early-infantile DEE. Also called: Ohtahara syndrome; Early infantile epileptic encephalopathy with suppression bursts; Early infantile epileptic encephalopathy. Identifiers: Orphanet 1934, MedGen C0393706, MONDO:0800491.

Submission:

Labcorp Genetics (formerly Invitae), Labcorp
Classification: Uncertain significance for Early-infantile DEE. Last evaluated: 2024-05-08. Review status: criteria provided, single submitter. Criteria: Invitae Variant Classification Sherloc (09022015). Collection method: clinical testing. Allele origin: germline.
Comment: This sequence change replaces arginine, which is basic and polar, with leucine, which is neutral and non-polar, at codon 2092 of the SPTAN1 protein (p.Arg2092Leu). This variant is present in population databases (no rsID available, gnomAD no frequency). This variant has not been reported in the literature in individuals affected with SPTAN1-related conditions. Advanced modeling of protein sequence and biophysical properties (such as structural, functional, and spatial information, amino acid conservation, physicochemical variation, residue mobility, and thermodynamic stability) has been performed at Invitae for this missense variant, however the output from this modeling did not meet the statistical confidence thresholds required to predict the impact of this variant on SPTAN1 protein function. In summary, the available evidence is currently insufficient to determine the role of this variant in disease. Therefore, it has been classified as a Variant of Uncertain Significance.

NM_001130438.3(SPTAN1):c.6275G>T (p.Arg2092Leu)

Gene: SPTAN1 (spectrin alpha, non-erythrocytic 1; plus strand). Cytogenetic location: 9q34.11.
Variant type: single nucleotide variant.
Coding change: c.6275G>T on transcript NM_001130438.3 (MANE Select); coding-DNA position 6275, G replaced by T.
Protein change: p.Arg2092Leu; replaces arginine 2092 with leucine.
Molecular consequence: missense variant.
Genome position (GRCh38, 1-based): chr9:128,625,974, G>T. VCF-style: chr9-128625974-G-T. GRCh37 (hg19) VCF-style: chr9-131388253-G-T.
Other names: c.6260G>T, p.Arg2087Leu (NM_003127.4); c.6200G>T, p.Arg2067Leu (NM_001195532.2); c.6275G>T, p.Arg2092Leu (NM_001363759.2, NM_001375310.1, NM_001375311.2 and 1 more transcripts); c.6215G>T, p.Arg2072Leu (NM_001363765.2, NM_001375314.2); c.6311G>T, p.Arg2104Leu (NM_001375312.2, NM_001375318.1); short protein forms R2067L, R2072L, R2092L, R2104L, R2087L.
Identifiers: ClinVar variation 2699743 (VCV002699743.3), dbSNP rs1301624113, ClinGen allele CA375087489.